The following is an entry in ClinVar:

GRCh37/hg19 5q33.2-34(chr5:154849998-164037131)x1

Genes: ADAM19 (ADAM metallopeptidase domain 19; minus strand), ADRA1B (adrenoceptor alpha 1B; plus strand), ATP10B (ATPase phospholipid transporting 10B (putative); minus strand), C1QTNF2 (C1q and TNF related 2; minus strand), C5orf52 (chromosome 5 open reading frame 52; plus strand) and 34 more. Cytogenetic location: 5q33.2-34.
Variant type: copy number loss.
Change: copy number 1 (one copy instead of two) of chr5:154,849,998-164,037,131 (9.19 Mb, GRCh37 coordinates, 1-based), cytogenetic band 5q33.2-34.
Identifiers: ClinVar variation 4682633 (VCV004682633.1).

ClinVar aggregate classification (germline): Pathogenic (1 of 4 stars; one submission).

Submission:

Quest Diagnostics Nichols Institute San Juan Capistrano
Classification: Pathogenic. Last evaluated: 2024-07-12. Review status: criteria provided, single submitter. Criteria: ACMG/ClinGen CNV Guidelines, 2019. Collection method: clinical testing. Allele origin: unknown.
Comment: This loss involves at least 39 protein-coding genes. Heterozygous deletions contained within 5q33.3q34 have been identified in multiple individuals with various phenotypes (Coppola 2019, Firth 2009, Hirabayashi 2019, Mefford 2011, Olson 2014, Xue 2021). There are no similar copy number losses of this region in the general populations of the Database of Genomic Variants. Thus, based on current medical literature and gene count, this copy number variant (CNV) is classified as pathogenic. References: Coppola et al., Epilepsia. 2019 Apr;60(4):689-706. PMID: 30866059 Firth et al., Am J Hum Genet. 2009 Apr;84(4):524-33. PMID: 19344873 Hirabayashi et al., J Hum Genet. 2019 Nov;64(11):1097-1106. PMID: 31471553 Mefford et al., Ann Neurol. 2011 Dec;70(6):974-85. PMID: 22190369 Olson et al., Ann Neurol. 2014 Jun;75(6):943-58. PMID: 24811917 Xue et al., Int J Dev Neurosci. 2021 Oct;81(6):539-543. PMID: 33866597